The following is an entry in ClinVar:

NM_173630.4(RTTN):c.19A>G (p.Ile7Val)

Gene: RTTN (rotatin; minus strand). Cytogenetic location: 18q22.2.
Variant type: single nucleotide variant.
Coding change: c.19A>G on transcript NM_173630.4 (MANE Select); coding-DNA position 19, A replaced by G.
Protein change: p.Ile7Val; replaces isoleucine 7 with valine.
Molecular consequence: missense variant. On other transcripts: 5 prime UTR variant (1).
Genome position (GRCh38, 1-based): chr18:70,205,640, T>C on the plus strand (A>G on the coding strand, the complement: RTTN is on the minus strand). VCF-style: chr18-70205640-T-C. GRCh37 (hg19) VCF-style: chr18-67872876-T-C.
Other names: c.-2535A>G (NM_001318520.2); short protein forms I7V.
Identifiers: ClinVar variation 1905275 (VCV001905275.6), dbSNP rs201165599, ClinGen allele CA8996635.
Genomic context (GRCh38, chr18:70,205,640, plus strand): 5'-GGCCAGAGCGCGGGGGGTGCCTTGGGCGAGGGGCAAGCTGACAGTTACCGAGTTTCCTGA[T>C]GAGCCCTGCCAGGACCATCTCGTCCCGTCAATCTGCAGCCGCCGGAGAATTAAACTGCCG-3'
Protein context (NP_775901.3, residues 1-17): MVLAGL[Ile7Val]RKLGHQLAEI

ClinVar aggregate classification (germline): Uncertain significance. Review status: criteria provided, multiple submitters, no conflicts (2 of 4 stars). 2 submissions from 2 submitters: Uncertain significance (2). Last evaluated 2026-04-17.

Conditions:
Inborn genetic diseases. Identifiers: MedGen C0950123, MeSH D030342.

Allele frequency attached by ClinVar (database versions not stated): gnomAD 0.00018; TOPMed 0.00015; ExAC 0.00007; ESP Exome Variant Server 0.00008.
gnomAD v4.1: 348 of 1,613,986 alleles (0.022%); highest among the groups gnomAD compares: Non-Finnish European, 0.026%; no homozygotes.

Submissions (2):

Ambry Genetics
Classification: Uncertain significance for Inborn genetic diseases. Last evaluated: 2026-04-17. Review status: criteria provided, single submitter. Criteria: Ambry Variant Classification Scheme 2023. Collection method: clinical testing. Allele origin: germline.
Comment: The c.19A>G (p.I7V) alteration is located in exon 1 (coding exon 1) of the RTTN gene. This alteration results from a A to G substitution at nucleotide position 19, causing the isoleucine (I) at amino acid position 7 to be replaced by a valine (V). Based on data from gnomAD, the G allele has an overall frequency of 0.013% (35/280782) total alleles studied. The highest observed frequency was 0.022% (28/128578) of European (non-Finnish) alleles. Based on insufficient or conflicting evidence, the clinical significance of this alteration remains unclear.

Labcorp Genetics (formerly Invitae), Labcorp
Classification: Uncertain significance. Last evaluated: 2023-10-04. Review status: criteria provided, single submitter. Criteria: Invitae Variant Classification Sherloc (09022015). Collection method: clinical testing. Allele origin: germline.
Comment: This sequence change replaces isoleucine, which is neutral and non-polar, with valine, which is neutral and non-polar, at codon 7 of the RTTN protein (p.Ile7Val). This variant is present in population databases (rs201165599, gnomAD 0.02%). This variant has not been reported in the literature in individuals affected with RTTN-related conditions. ClinVar contains an entry for this variant (Variation ID: 1905275). Advanced modeling of protein sequence and biophysical properties (such as structural, functional, and spatial information, amino acid conservation, physicochemical variation, residue mobility, and thermodynamic stability) performed at Invitae indicates that this missense variant is not expected to disrupt RTTN protein function. In summary, the available evidence is currently insufficient to determine the role of this variant in disease. Therefore, it has been classified as a Variant of Uncertain Significance.

Literature cited by the submitters: PubMed 38178912 (cited by Ambry Genetics).